The following is an entry in ClinVar:

ClinVar aggregate classification (germline): Pathogenic. Review status: criteria provided, multiple submitters, no conflicts (2 of 4 stars). 3 submissions from 3 submitters: Pathogenic (2). 1 of the submissions does not count toward it. Last evaluated 2024-08-23.

Conditions:
Tuberous sclerosis 2 (TSC2). Identifiers: Orphanet 805, MedGen C1860707, MONDO:0013199, OMIM 613254.
Tuberous sclerosis syndrome (TSC). Also called: Tuberous Sclerosis Complex; Tuberous sclerosis. Identifiers: Orphanet 805, MedGen C0041341, MONDO:0001734.

Submissions (3):

Athena Diagnostics
Classification: Pathogenic. Last evaluated: 2024-08-23. Review status: criteria provided, single submitter. Criteria: Athena Diagnostics Criteria. Collection method: clinical testing. Allele origin: unknown.
Comment: This variant is expected to severely impact normal RNA splicing, and consequently, protein structure and/or function. This variant has not been reported in large, multi-ethnic general populations. This variant has been identified in individuals with clinical features associated with this gene, and appears to occur de novo in at least one individual.

Labcorp Genetics (formerly Invitae), Labcorp
Classification: Pathogenic for Tuberous sclerosis 2. Last evaluated: 2024-05-06. Review status: criteria provided, single submitter. Criteria: Invitae Variant Classification Sherloc (09022015). Collection method: clinical testing. Allele origin: germline.
Comment: This sequence change affects a donor splice site in intron 20 of the TSC2 gene. It is expected to disrupt RNA splicing. Variants that disrupt the donor or acceptor splice site typically lead to a loss of protein function (PMID: 16199547), and loss-of-function variants in TSC2 are known to be pathogenic (PMID: 10205261, 17304050). This variant is not present in population databases (gnomAD no frequency). Disruption of this splice site has been observed in individual(s) with tuberous sclerosis complex (PMID: 33391346). In at least one individual the variant was observed to be de novo. ClinVar contains an entry for this variant (Variation ID: 65259). Algorithms developed to predict the effect of sequence changes on RNA splicing suggest that this variant may disrupt the consensus splice site. For these reasons, this variant has been classified as Pathogenic.

Tuberous sclerosis database (TSC2)
No classification provided. Condition: TSC. Review status: no classification provided. Criteria: Tuberous Sclerosis Database Assertion Criteria 2015. Collection method: curation. Allele origin: germline. Affected: yes. Not counted in ClinVar's aggregate classification.

Literature cited by the submitters: PubMed 33391346 (cited by Athena Diagnostics and Labcorp Genetics (formerly Invitae), Labcorp); PubMed 38806662 (cited by Athena Diagnostics); PubMed 16199547 (cited by Labcorp Genetics (formerly Invitae), Labcorp); PubMed 10205261 (cited by Labcorp Genetics (formerly Invitae), Labcorp); PubMed 17304050 (cited by Labcorp Genetics (formerly Invitae), Labcorp).

NM_000548.5(TSC2):c.2220+1G>A

Gene: TSC2 (TSC complex subunit 2; plus strand). Cytogenetic location: 16p13.3.
Variant type: single nucleotide variant.
Coding change: c.2220+1G>A on transcript NM_000548.5 (MANE Select); the canonical splice donor site of the intron after coding-DNA position 2220, G replaced by A.
Molecular consequence: splice donor variant.
Genome position (GRCh38, 1-based): chr16:2,072,364, G>A. VCF-style: chr16-2072364-G-A. GRCh37 (hg19) VCF-style: chr16-2122365-G-A.
Other names: c.876+1G>A (NM_001406693.1, NM_001406689.1, NM_001406690.1 and 6 more transcripts); c.2310+1G>A (NM_001406667.1, NM_001406668.1); c.1620+1G>A (NM_001406680.1, NM_001406683.1, NM_001406687.1 and 6 more transcripts); c.618+1G>A (NM_001406698.1); c.2220+1G>A (NM_001114382.3, NM_001406663.1, NM_001406664.1 and 6 more transcripts); c.2208+1G>A (NM_001406671.1, NM_001406673.1); c.1758+1G>A (NM_001406681.1); c.2109+1G>A (NM_001406670.1, NM_001318827.2, NM_001406678.1); and 3 more.
Identifiers: ClinVar variation 65259 (VCV000065259.5), dbSNP rs137854361, ClinGen allele CA016941.